The following is an entry in ClinVar:

NM_000419.5(ITGA2B):c.1210+8A>G

Gene: ITGA2B (integrin subunit alpha 2b; minus strand). Cytogenetic location: 17q21.31.
Variant type: single nucleotide variant.
Coding change: c.1210+8A>G on transcript NM_000419.5 (MANE Select); 8 bases into the intron after coding-DNA position 1210, A replaced by G.
Molecular consequence: intron variant.
Genome position (GRCh38, 1-based): chr17:44,383,485, T>C on the plus strand (A>G on the coding strand, the complement: ITGA2B is on the minus strand). VCF-style: chr17-44383485-T-C. GRCh37 (hg19) VCF-style: chr17-42460853-T-C.
Other names: c.1210+8A>G (NM_000419.4).
Identifiers: ClinVar variation 1336530 (VCV001336530.11), dbSNP rs771317292, ClinGen allele CA8603205.

ClinVar aggregate classification (germline): Likely benign. Review status: reviewed by expert panel (3 of 4 stars). 4 submissions from 4 submitters: Likely benign (1). 3 of the submissions do not count toward it. Last evaluated 2024-04-16.

Conditions:
ITGA2B-related disorder. Also called: ITGA2B-related condition; ITGA2B-related disorders.
Glanzmann thrombasthenia. Also called: THROMBASTHENIA OF GLANZMANN AND NAEGELI; PLATELET GLYCOPROTEIN IIb-IIIa DEFICIENCY; Thrombasthenia; Glanzmann's thrombasthenia. Identifiers: Orphanet 849, MedGen C0040015, MONDO:0100326.

Allele frequency attached by ClinVar (database versions not stated): gnomAD exomes 0.00005; ExAC 0.00010.
gnomAD v4.1: 51 of 1,604,958 alleles (0.0032%); highest among the groups gnomAD compares: African/African-American, 0.063%; no homozygotes.

Submissions (4):

ClinGen Platelet Disorders Variant Curation Expert Panel, ClinGen
Classification: Likely benign for Glanzmann thrombasthenia. Last evaluated: 2024-04-16. Review status: reviewed by expert panel. Criteria: ClinGen Platelet ACMG Specifications v2-1. Collection method: curation. Allele origin: germline. Inheritance: Autosomal recessive inheritance.
Comment: The c.1210+8A>G variant is an intronic variant that is not predicted by SpliceAI to impact splicing. In addition, it occurs at a nucleotide that is not conserved as shown by phyloP score of -0.54 (BP4 and BP7). This variant was submitted to ClinVar in one patient with Glanzmann Thrombasthenia. After a thorough literature search, this variant was not found to be reported in any patients with Glanzmann Thrombasthenia. The highest population minor allele frequency in gnomAD v4.0.0 is 0.0006283 (47/74808 alleles) in the African/African American population. This intermediate allele frequency is lower than the ClinGen PD VCEP threshold (>0.00158) for BS1 but higher than the threshold (<0.0001) for PM2_Supporting. In summary, this variant meets the criteria to be classified as likely benign for autosomal recessive Glanzmann Thrombasthenia based on the ACMG/AMP criteria applied, as specified by the ClinGen PD VCEP: BP4, BP7. (VCEP specifications version 2; date of approval xx/xx/xxxx)

Labcorp Genetics (formerly Invitae), Labcorp
Classification: Likely benign for Glanzmann thrombasthenia. Last evaluated: 2026-01-05. Review status: criteria provided, single submitter. Criteria: Invitae Variant Classification Sherloc (09022015). Collection method: clinical testing. Allele origin: germline. Not counted in ClinVar's aggregate classification.

Genetic Services Laboratory, University of Chicago
Classification: Uncertain significance. Last evaluated: 2019-10-24. Review status: criteria provided, single submitter. Criteria: ACMG Guidelines, 2015. Collection method: clinical testing. Allele origin: germline. Affected: no. Not counted in ClinVar's aggregate classification.

PreventionGenetics, part of Exact Sciences
Classification: Likely benign for ITGA2B-related condition. Last evaluated: 2021-02-09. Review status: no assertion criteria provided. Collection method: clinical testing. Allele origin: germline. Not counted in ClinVar's aggregate classification.
Comment: This variant is classified as likely benign based on ACMG/AMP sequence variant interpretation guidelines (Richards et al. 2015 PMID: 25741868, with internal and published modifications).